The following is an entry in ClinVar:

ClinVar aggregate classification (germline): Uncertain significance. Review status: criteria provided, multiple submitters, no conflicts (2 of 4 stars). 3 submissions from 3 submitters: Uncertain significance (3). Last evaluated 2025-12-21.

Conditions:
Hereditary cancer-predisposing syndrome. Also called: Tumor predisposition; Neoplastic Syndromes, Hereditary; Hereditary Cancer Syndrome; Hereditary neoplastic syndrome. Identifiers: Orphanet 140162, MedGen C0027672, MeSH D009386, MONDO:0015356.
Gorlin syndrome. Also called: Basal cell nevus syndrome; Nevoid Basal Cell Carcinoma Syndrome. Identifiers: Orphanet 377, MedGen C0004779, MONDO:0007187.
Basal cell carcinoma, susceptibility to, 1. Also called: BCC1. Identifiers: MedGen C2751544, MONDO:0011556, OMIM 605462.

Allele frequency attached by ClinVar (database versions not stated): gnomAD 0.00001; TOPMed 0.00001.
gnomAD v4.1: 6 of 1,613,314 alleles (0.00037%); highest among the groups gnomAD compares: African/African-American, 0.0053%; no homozygotes.

Submissions (3):

Labcorp Genetics (formerly Invitae), Labcorp
Classification: Uncertain significance for Gorlin syndrome. Last evaluated: 2025-12-21. Review status: criteria provided, single submitter. Criteria: Invitae Variant Classification Sherloc (09022015). Collection method: clinical testing. Allele origin: germline.
Comment: This sequence change replaces isoleucine, which is neutral and non-polar, with valine, which is neutral and non-polar, at codon 108 of the PTCH1 protein (p.Ile108Val). This variant is not present in population databases (gnomAD no frequency). This variant has not been reported in the literature in individuals affected with PTCH1-related conditions. ClinVar contains an entry for this variant (Variation ID: 486187). Invitae Evidence Modeling of protein sequence and biophysical properties (such as structural, functional, and spatial information, amino acid conservation, physicochemical variation, residue mobility, and thermodynamic stability) indicates that this missense variant is not expected to disrupt PTCH1 protein function with a negative predictive value of 95%. In summary, the available evidence is currently insufficient to determine the role of this variant in disease. Therefore, it has been classified as a Variant of Uncertain Significance.

Ambry Genetics
Classification: Uncertain significance for Hereditary cancer-predisposing syndrome. Last evaluated: 2024-04-17. Review status: criteria provided, single submitter. Criteria: Ambry Variant Classification Scheme 2023. Collection method: clinical testing. Allele origin: germline.
Comment: The p.I108V variant (also known as c.322A>G), located in coding exon 2 of the PTCH1 gene, results from an A to G substitution at nucleotide position 322. The isoleucine at codon 108 is replaced by valine, an amino acid with highly similar properties. This amino acid position is highly conserved in available vertebrate species. In addition, the in silico prediction for this alteration is inconclusive. Since supporting evidence is limited at this time, the clinical significance of this alteration remains unclear.

Baylor Genetics
Classification: Uncertain significance for Basal cell carcinoma, susceptibility to, 1. Last evaluated: 2023-09-28. Review status: criteria provided, single submitter. Criteria: ACMG Guidelines, 2015. Collection method: clinical testing. Allele origin: unknown.

NM_000264.5(PTCH1):c.322A>G (p.Ile108Val)

Gene: PTCH1 (patched 1; minus strand). Cytogenetic location: 9q22.32.
Variant type: single nucleotide variant.
Coding change: c.322A>G on transcript NM_000264.5 (MANE Select); coding-DNA position 322, A replaced by G.
Protein change: p.Ile108Val; replaces isoleucine 108 with valine.
Molecular consequence: missense variant. On other transcripts: 5 prime UTR variant (4), non-coding transcript variant (1).
Genome position (GRCh38, 1-based): chr9:95,506,479, T>C on the plus strand (A>G on the coding strand, the complement: PTCH1 is on the minus strand). VCF-style: chr9-95506479-T-C. GRCh37 (hg19) VCF-style: chr9-98268761-T-C.
Other names: c.124A>G, p.Ile42Val (NM_001083602.3, NM_001354919.2); c.319A>G, p.Ile107Val (NM_001083603.3); c.-132A>G (NM_001083604.3, NM_001083605.3, NM_001083606.3 and 1 more transcripts); c.322A>G, p.Ile108Val (NM_001354918.2); short protein forms I42V, I108V, I107V.
Identifiers: ClinVar variation 486187 (VCV000486187.13), dbSNP rs1338490449, ClinGen allele CA374120281.